The following is an entry in ClinVar:

ClinVar aggregate classification (germline): Uncertain significance (1 of 4 stars; one submission).

Allele frequency attached by ClinVar (database versions not stated): gnomAD exomes below 0.00001.
gnomAD v4.1: 2 of 1,614,138 alleles (0.00012%); highest among the groups gnomAD compares: Non-Finnish European, 0.000085%; no homozygotes.

Submission:

Labcorp Genetics (formerly Invitae), Labcorp
Classification: Uncertain significance. Last evaluated: 2021-10-18. Review status: criteria provided, single submitter. Criteria: Invitae Variant Classification Sherloc (09022015). Collection method: clinical testing. Allele origin: germline.
Comment: In summary, the available evidence is currently insufficient to determine the role of this variant in disease. Therefore, it has been classified as a Variant of Uncertain Significance. Advanced modeling of protein sequence and biophysical properties (such as structural, functional, and spatial information, amino acid conservation, physicochemical variation, residue mobility, and thermodynamic stability) performed at Invitae indicates that this missense variant is not expected to disrupt FLNB protein function. This variant has not been reported in the literature in individuals affected with FLNB-related conditions. This variant is not present in population databases (ExAC no frequency). This sequence change replaces threonine with isoleucine at codon 2554 of the FLNB protein (p.Thr2554Ile). The threonine residue is highly conserved and there is a moderate physicochemical difference between threonine and isoleucine.

NM_001457.4(FLNB):c.7661C>T (p.Thr2554Ile)

Genes: FLNB (filamin B; plus strand), FLNB-AS1 (FLNB antisense RNA 1; minus strand). Cytogenetic location: 3p14.3.
Variant type: single nucleotide variant.
Coding change: c.7661C>T on transcript NM_001457.4 (MANE Select); coding-DNA position 7661, C replaced by T.
Protein change: p.Thr2554Ile; replaces threonine 2554 with isoleucine.
Molecular consequence: missense variant. On other transcripts: non-coding transcript variant (1).
Genome position (GRCh38, 1-based): chr3:58,170,614, C>T. VCF-style: chr3-58170614-C-T. GRCh37 (hg19) VCF-style: chr3-58156341-C-T.
Other names: c.7754C>T, p.Thr2585Ile (NM_001164317.2); c.7628C>T, p.Thr2543Ile (NM_001164318.2); c.7589C>T, p.Thr2530Ile (NM_001164319.2); short protein forms T2585I, T2554I, T2530I, T2543I.
Identifiers: ClinVar variation 1506646 (VCV001506646.6), dbSNP rs1388779908, ClinGen allele CA353336149.